The following is an entry in ClinVar:

ClinVar aggregate classification (germline): Likely benign. Review status: criteria provided, multiple submitters, no conflicts (2 of 4 stars). 3 submissions from 3 submitters: Likely benign (2). 1 of the submissions does not count toward it. Last evaluated 2025-08-05.

Conditions:
SETX-related disorder. Also called: SETX-related condition; SETX-related disorders. Identifiers: MedGen CN239403.
Amyotrophic lateral sclerosis type 4 (ALS4). Also called: AMYOTROPHIC LATERAL SCLEROSIS 4, JUVENILE; NEURONOPATHY, DISTAL HEREDITARY MOTOR, WITH PYRAMIDAL FEATURES. Identifiers: Orphanet 357043, MedGen C1865409, MONDO:0011223, OMIM 602433.
Spinocerebellar ataxia, autosomal recessive, with axonal neuropathy 2 (SCAN2). Also called: ATAXIA-OCULOMOTOR APRAXIA 2; Ataxia-ocular apraxia-2; Ataxia with Oculomotor Apraxia; Ataxia with Oculomotor Apraxia Type 2. Identifiers: Orphanet 64753, MedGen C1853761, MONDO:0018996, OMIM 606002.

Allele frequency attached by ClinVar (database versions not stated): TOPMed 0.00001; gnomAD 0.00003; gnomAD exomes 0.00003.
gnomAD v4.1: 53 of 1,614,150 alleles (0.0033%); highest among the groups gnomAD compares: Non-Finnish European, 0.0042%; no homozygotes.

Submissions (3):

Labcorp Genetics (formerly Invitae), Labcorp
Classification: Likely benign for Amyotrophic lateral sclerosis type 4; Spinocerebellar ataxia, autosomal recessive, with axonal neuropathy 2. Last evaluated: 2025-08-05. Review status: criteria provided, single submitter. Criteria: Invitae Variant Classification Sherloc (09022015). Collection method: clinical testing. Allele origin: germline.

Women's Health and Genetics/Laboratory Corporation of America, LabCorp
Classification: Likely benign. Last evaluated: 2025-05-26. Review status: criteria provided, single submitter. Criteria: LabCorp Variant Classification Summary - May 2015. Collection method: clinical testing. Allele origin: germline.

PreventionGenetics, part of Exact Sciences
Classification: Likely benign for SETX-related condition. Last evaluated: 2020-12-23. Review status: no assertion criteria provided. Collection method: clinical testing. Allele origin: germline. Not counted in ClinVar's aggregate classification.
Comment: This variant is classified as likely benign based on ACMG/AMP sequence variant interpretation guidelines (Richards et al. 2015 PMID: 25741868, with internal and published modifications).

NM_015046.7(SETX):c.4977T>C (p.Leu1659=)

Gene: SETX (senataxin; minus strand). Cytogenetic location: 9q34.13.
Variant type: single nucleotide variant.
Coding change: c.4977T>C on transcript NM_015046.7 (MANE Select); coding-DNA position 4977, T replaced by C.
Protein change: p.Leu1659=; no amino-acid change (leucine 1659 retained).
Molecular consequence: synonymous variant.
Genome position (GRCh38, 1-based): chr9:132,326,621, A>G on the plus strand (T>C on the coding strand, the complement: SETX is on the minus strand). VCF-style: chr9-132326621-A-G. GRCh37 (hg19) VCF-style: chr9-135202008-A-G.
Other names: c.4977T>C, p.Leu1659= (NM_001351527.2, NM_001351528.2).
Identifiers: ClinVar variation 3031075 (VCV003031075.4), dbSNP rs1390003079, ClinGen allele CA467505050.
Genomic context (GRCh38, chr9:132,326,621, plus strand): 5'-GCTTTCACCAAATGGAACTTTGCAACCTTGCCTGTTGGAATTATTCGGAGACTGAGGATG[A>G]AGAACATTGCACGAATTCTTCATTTCACCAACTGGCTTCTGAGCTATGAGGGGAACTGGC-3'
Protein context (NP_055861.3, residues 1649-1669): VGEMKNSCNV[Leu1659=]HPQSPNNSNR